The following is an entry in ClinVar:

ClinVar aggregate classification (germline): Uncertain significance. Review status: criteria provided, multiple submitters, no conflicts (2 of 4 stars). 2 submissions from 2 submitters: Uncertain significance (2). Last evaluated 2024-01-18.

Conditions:
Hereditary cancer-predisposing syndrome. Also called: Tumor predisposition; Hereditary neoplastic syndrome; Neoplastic Syndromes, Hereditary; Hereditary Cancer Syndrome. Identifiers: Orphanet 140162, MedGen C0027672, MeSH D009386, MONDO:0015356.
Ataxia-telangiectasia syndrome (AT). Also called: Ataxia-telangiectasia, complementation group D; AT, COMPLEMENTATION GROUP C; ATAXIA-TELANGIECTASIA, COMPLEMENTATION GROUP A; ATAXIA-TELANGIECTASIA, FRESNO VARIANT; Ataxia-telangiectasia; LOUIS-BAR SYNDROME. Identifiers: Orphanet 100, MedGen C0004135, MONDO:0008840, OMIM 208900.

gnomAD v4.1: 2 of 1,614,054 alleles (0.00012%); highest among the groups gnomAD compares: Non-Finnish European, 0.00017%; no homozygotes.

Submissions (2):

Ambry Genetics
Classification: Uncertain significance for Hereditary cancer-predisposing syndrome. Last evaluated: 2024-01-18. Review status: criteria provided, single submitter. Criteria: Ambry Variant Classification Scheme 2023. Collection method: clinical testing. Allele origin: germline.
Comment: The p.R2443G variant (also known as c.7327C>G), located in coding exon 49 of the ATM gene, results from a C to G substitution at nucleotide position 7327. The arginine at codon 2443 is replaced by glycine, an amino acid with dissimilar properties. This alteration was identified in a cohort of pancreatic cancer patients undergoing multigene panel testing (Young EL et al. BMC Cancer, 2018 Jun;18:697). This amino acid position is highly conserved in available vertebrate species. In addition, the in silico prediction for this alteration is inconclusive. Based on the available evidence, the clinical significance of this alteration remains unclear.

Labcorp Genetics (formerly Invitae), Labcorp
Classification: Uncertain significance for Ataxia-telangiectasia syndrome. Last evaluated: 2023-10-14. Review status: criteria provided, single submitter. Criteria: Invitae Variant Classification Sherloc (09022015). Collection method: clinical testing. Allele origin: germline.
Comment: This sequence change replaces arginine, which is basic and polar, with glycine, which is neutral and non-polar, at codon 2443 of the ATM protein (p.Arg2443Gly). This variant is not present in population databases (gnomAD no frequency). This missense change has been observed in individual(s) with pancreatic cancer (PMID: 29945567). ClinVar contains an entry for this variant (Variation ID: 642410). An algorithm developed to predict the effect of missense changes on protein structure and function (PolyPhen-2) suggests that this variant is likely to be disruptive. Algorithms developed to predict the effect of sequence changes on RNA splicing suggest that this variant may disrupt the consensus splice site. In summary, the available evidence is currently insufficient to determine the role of this variant in disease. Therefore, it has been classified as a Variant of Uncertain Significance.

Literature cited by the submitters: PubMed 29945567 (cited by Ambry Genetics and Labcorp Genetics (formerly Invitae), Labcorp).

NM_000051.4(ATM):c.7327C>G (p.Arg2443Gly)

Genes: ATM (ATM serine/threonine kinase; plus strand), C11orf65 (chromosome 11 open reading frame 65; minus strand). Cytogenetic location: 11q22.3.
Variant type: single nucleotide variant.
Coding change: c.7327C>G on transcript NM_000051.4 (MANE Select); coding-DNA position 7327, C replaced by G.
Protein change: p.Arg2443Gly; replaces arginine 2443 with glycine.
Molecular consequence: missense variant. On other transcripts: intron variant (2).
Genome position (GRCh38, 1-based): chr11:108,330,233, C>G. VCF-style: chr11-108330233-C-G. GRCh37 (hg19) VCF-style: chr11-108200960-C-G.
Other names: c.7327C>G, p.Arg2443Gly (NM_001351834.2); c.641-21162G>C (NM_001330368.2); c.*38+4987G>C (NM_001351110.2); short protein forms R2443G.
Identifiers: ClinVar variation 642410 (VCV000642410.10), dbSNP rs121434220, ClinGen allele CA382559896.